The following is an entry in ClinVar:

ClinVar aggregate classification (germline): Conflicting classifications of pathogenicity. Review status: criteria provided, conflicting classifications (1 of 4 stars). 2 submissions from 2 submitters: Uncertain significance (1); Likely benign (1). Last evaluated 2022-03-13.

Conditions:
Duchenne muscular dystrophy (DMD). Also called: MUSCULAR DYSTROPHY, PSEUDOHYPERTROPHIC PROGRESSIVE, DUCHENNE TYPE; Duchenne Muscular Dystrophy (DMD). Identifiers: Orphanet 98896, MedGen C0013264, MONDO:0010679, OMIM 310200.

Allele frequency attached by ClinVar (database versions not stated): gnomAD exomes below 0.00001.
gnomAD v4.1: 1 of 1,211,050 alleles (0.000083%); highest among the groups gnomAD compares: Non-Finnish European, 0.00011%; no homozygotes.

Submissions (2):

Labcorp Genetics (formerly Invitae), Labcorp
Classification: Uncertain significance for Duchenne muscular dystrophy. Last evaluated: 2022-03-13. Review status: criteria provided, single submitter. Criteria: Invitae Variant Classification Sherloc (09022015). Collection method: clinical testing. Allele origin: germline.
Comment: This variant has not been reported in the literature in individuals affected with DMD-related conditions. In summary, the available evidence is currently insufficient to determine the role of this variant in disease. Therefore, it has been classified as a Variant of Uncertain Significance. Algorithms developed to predict the effect of missense changes on protein structure and function output the following: SIFT: "Deleterious"; PolyPhen-2: "Benign"; Align-GVGD: "Class C0". The asparagine amino acid residue is found in multiple mammalian species, which suggests that this missense change does not adversely affect protein function. ClinVar contains an entry for this variant (Variation ID: 385957). This variant is not present in population databases (gnomAD no frequency). This sequence change replaces serine, which is neutral and polar, with asparagine, which is neutral and polar, at codon 949 of the DMD protein (p.Ser949Asn).

GeneDx
Classification: Likely benign. Last evaluated: 2016-05-12. Review status: criteria provided, single submitter. Criteria: GeneDx Variant Classification (06012015). Collection method: clinical testing. Allele origin: germline. Affected: yes.
Comment: This variant is considered likely benign or benign based on one or more of the following criteria: it is a conservative change, it occurs at a poorly conserved position in the protein, it is predicted to be benign by multiple in silico algorithms, and/or has population frequency not consistent with disease.

NM_004006.3(DMD):c.2846G>A (p.Ser949Asn)

Gene: DMD (dystrophin; minus strand). Cytogenetic location: Xp21.1.
Variant type: single nucleotide variant.
Coding change: c.2846G>A on transcript NM_004006.3 (MANE Select); coding-DNA position 2846, G replaced by A.
Protein change: p.Ser949Asn; replaces serine 949 with asparagine.
Molecular consequence: missense variant.
Genome position (GRCh38, 1-based): chrX:32,472,267, C>T on the plus strand (G>A on the coding strand, the complement: DMD is on the minus strand). VCF-style: chrX-32472267-C-T. GRCh37 (hg19) VCF-style: chrX-32490384-C-T.
Other names: c.2822G>A, p.Ser941Asn (NM_000109.4); c.2834G>A, p.Ser945Asn (NM_004009.3); c.2477G>A, p.Ser826Asn (NM_004010.3); short protein forms S949N, S826N, S945N, S941N.
Identifiers: ClinVar variation 385957 (VCV000385957.6), dbSNP rs1057522383, ClinGen allele CA16608445.